The following is an entry in ClinVar:

NM_000271.5(NPC1):c.3435G>C (p.Trp1145Cys)

Gene: NPC1 (NPC intracellular cholesterol transporter 1; minus strand). Cytogenetic location: 18q11.2.
Variant type: single nucleotide variant.
Coding change: c.3435G>C on transcript NM_000271.5 (MANE Select); coding-DNA position 3435, G replaced by C.
Protein change: p.Trp1145Cys; replaces tryptophan 1145 with cysteine.
Molecular consequence: missense variant.
Genome position (GRCh38, 1-based): chr18:23,535,511, C>G on the plus strand (G>C on the coding strand, the complement: NPC1 is on the minus strand). VCF-style: chr18-23535511-C-G. GRCh37 (hg19) VCF-style: chr18-21115475-C-G.
Other names: short protein forms W1145C.
Identifiers: ClinVar variation 2036158 (VCV002036158.4), dbSNP rs753637056, ClinGen allele CA401791203.

ClinVar aggregate classification (germline): Likely pathogenic (1 of 4 stars; one submission).

Conditions:
Niemann-Pick disease, type C1. Also called: NEUROVISCERAL STORAGE DISEASE WITH VERTICAL SUPRANUCLEAR OPHTHALMOPLEGIA; NIEMANN-PICK DISEASE WITH CHOLESTEROL ESTERIFICATION BLOCK; NIEMANN-PICK DISEASE WITHOUT SPHINGOMYELINASE DEFICIENCY; NIEMANN-PICK DISEASE, CHRONIC NEURONOPATHIC FORM; NIEMANN-PICK DISEASE, VARIANT TYPE C1. Identifiers: Orphanet 646, MedGen C3179455, MONDO:0009757, OMIM 257220.

gnomAD v4.1: 4 of 1,613,872 alleles (0.00025%); highest among the groups gnomAD compares: Non-Finnish European, 0.00034%; no homozygotes.

Submission:

Labcorp Genetics (formerly Invitae), Labcorp
Classification: Likely pathogenic for Niemann-Pick disease, type C1. Last evaluated: 2022-10-19. Review status: criteria provided, single submitter. Criteria: Invitae Variant Classification Sherloc (09022015). Collection method: clinical testing. Allele origin: germline.
Comment: This sequence change replaces tryptophan, which is neutral and slightly polar, with cysteine, which is neutral and slightly polar, at codon 1145 of the NPC1 protein (p.Trp1145Cys). This variant is not present in population databases (gnomAD no frequency). This variant has not been reported in the literature in individuals affected with NPC1-related conditions. Advanced modeling of protein sequence and biophysical properties (such as structural, functional, and spatial information, amino acid conservation, physicochemical variation, residue mobility, and thermodynamic stability) performed at Invitae indicates that this missense variant is expected to disrupt NPC1 protein function. This variant disrupts the p.Trp1145 amino acid residue in NPC1. Other variant(s) that disrupt this residue have been determined to be pathogenic (PMID: 23433426, 31699992). This suggests that this residue is clinically significant, and that variants that disrupt this residue are likely to be disease-causing. In summary, the currently available evidence indicates that the variant is pathogenic, but additional data are needed to prove that conclusively. Therefore, this variant has been classified as Likely Pathogenic.

Literature cited by the submitters: PubMed 23433426; PubMed 31699992.